The following is an entry in ClinVar:

ClinVar aggregate classification (germline): Uncertain significance (1 of 4 stars; one submission).

gnomAD v4.1: 5 of 1,594,700 alleles (0.00031%); highest among the groups gnomAD compares: Middle Eastern, 0.017%; no homozygotes.

Submission:

CeGaT Center for Human Genetics Tuebingen
Classification: Uncertain significance. Last evaluated: 2025-09-01. Review status: criteria provided, single submitter. Criteria: CeGaT Center For Human Genetics Tuebingen Variant Classification Criteria Version 2. Collection method: clinical testing. Allele origin: germline. Affected: yes. Observed: 1 variant allele.
Comment: AXIN1: PM2

NM_003502.4(AXIN1):c.1602C>A (p.His534Gln)

Gene: AXIN1 (axin 1; minus strand). Cytogenetic location: 16p13.3.
Variant type: single nucleotide variant.
Coding change: c.1602C>A on transcript NM_003502.4 (MANE Select); coding-DNA position 1602, C replaced by A.
Protein change: p.His534Gln; replaces histidine 534 with glutamine.
Molecular consequence: missense variant. On other transcripts: non-coding transcript variant (1).
Genome position (GRCh38, 1-based): chr16:297,904, G>T on the plus strand (C>A on the coding strand, the complement: AXIN1 is on the minus strand). VCF-style: chr16-297904-G-T. GRCh37 (hg19) VCF-style: chr16-347904-G-T.
Other names: c.1602C>A, p.His534Gln (NM_181050.3); short protein forms H534Q.
Identifiers: ClinVar variation 4280902 (VCV004280902.7).